The following is an entry in ClinVar:

NM_031885.5(BBS2):c.1544del (p.Gly515fs)

Gene: BBS2 (Bardet-Biedl syndrome 2; minus strand). Cytogenetic location: 16q13.
Variant type: Deletion.
Coding change: c.1544del on transcript NM_031885.5 (MANE Select); coding-DNA position 1544, one base deleted (G; older notation c.1544delG).
Protein change: p.Gly515fs; shifts the reading frame from glycine 515.
Molecular consequence: frameshift variant. On other transcripts: non-coding transcript variant (5).
Genome position (GRCh38, 1-based): chr16:56,498,552, C deleted on the plus strand (G on the coding strand, the reverse complement: BBS2 is on the minus strand); the first of 2 consecutive C bases (chr16:56,498,552-56,498,553); deleting either gives the same sequence. VCF-style (leftmost placement, unchanged base first): chr16-56498551-AC-A. GRCh37 (hg19) VCF-style: chr16-56532463-AC-A.
Other names: c.1544del, p.Gly515fs (NM_001377456.1); short protein forms G515fs.
Identifiers: ClinVar variation 1683725 (VCV001683725.2), dbSNP rs2144134987, ClinGen allele CA2573152433.
Genomic context (GRCh38, chr16:56,498,551, plus strand): 5'-GAAACACACTTGAAATGGAGCATTCTGAATGTGAGTGTCTTCTGGTAACAGAAAGTTCTG[AC>A]CGAGCCATACAACAACCTTGAAAATGAACACAATGAAATGACCTCCATTTTTAAGGTACA-3'

ClinVar aggregate classification (germline): Likely pathogenic (1 of 4 stars; one submission).

Conditions:
Bardet-Biedl syndrome 2 (BBS2). Identifiers: Orphanet 110, MedGen C2936863, MONDO:0014432, OMIM 615981.

Submission:

Laboratorio de Genetica e Diagnostico Molecular, Hospital Israelita Albert Einstein
Classification: Likely pathogenic for Bardet-Biedl syndrome 2. Last evaluated: 2021-06-21. Review status: criteria provided, single submitter. Criteria: ACMG Guidelines, 2015. Collection method: clinical testing. Allele origin: germline. Affected: yes.
Comment: ACMG classification criteria: PVS1 very strong, PM2 moderate